The following is an entry in ClinVar:

ClinVar aggregate classification (germline): Uncertain significance (1 of 4 stars; one submission).

Conditions:
Inborn genetic diseases. Identifiers: MedGen C0950123, MeSH D030342.

Submission:

Ambry Genetics
Classification: Uncertain significance for Inborn genetic diseases. Last evaluated: 2023-02-10. Review status: criteria provided, single submitter. Criteria: Ambry Variant Classification Scheme 2023. Collection method: clinical testing. Allele origin: germline.
Comment: The p.F613V variant (also known as c.1837T>G), located in coding exon 8 of the ATR gene, results from a T to G substitution at nucleotide position 1837. The phenylalanine at codon 613 is replaced by valine, an amino acid with highly similar properties. This amino acid position is conserved. In addition, the in silico prediction for this alteration is inconclusive. Since supporting evidence is limited at this time, the clinical significance of this alteration remains unclear.

NM_001184.4(ATR):c.1837T>G (p.Phe613Val)

Gene: ATR (ATR checkpoint kinase; minus strand). Cytogenetic location: 3q23.
Variant type: single nucleotide variant.
Coding change: c.1837T>G on transcript NM_001184.4 (MANE Select); coding-DNA position 1837, T replaced by G.
Protein change: p.Phe613Val; replaces phenylalanine 613 with valine.
Molecular consequence: missense variant.
Genome position (GRCh38, 1-based): chr3:142,558,672, A>C on the plus strand (T>G on the coding strand, the complement: ATR is on the minus strand). VCF-style: chr3-142558672-A-C. GRCh37 (hg19) VCF-style: chr3-142277514-A-C.
Other names: c.1645T>G, p.Phe549Val (NM_001354579.2); short protein forms F549V, F613V.
Identifiers: ClinVar variation 2453589 (VCV002453589.2), dbSNP rs2473407483, ClinGen allele CA354820917.